The following is an entry in ClinVar:

ClinVar aggregate classification (germline): Uncertain significance (1 of 4 stars; one submission).

Allele frequency attached by ClinVar (database versions not stated): gnomAD exomes below 0.00001.
gnomAD v4.1: 1 of 1,602,078 alleles (0.000062%); highest among the groups gnomAD compares: South Asian, 0.0011%; no homozygotes.

Submission:

Ambry Genetics
Classification: Uncertain significance. Last evaluated: 2023-03-15. Review status: criteria provided, single submitter. Criteria: Ambry Variant Classification Scheme 2023. Collection method: clinical testing. Allele origin: germline.
Comment: The p.G321E variant (also known as c.962G>A), located in coding exon 7 of the POLQ gene, results from a G to A substitution at nucleotide position 962. The glycine at codon 321 is replaced by glutamic acid, an amino acid with similar properties. This amino acid position is conserved. In addition, this alteration is predicted to be tolerated by in silico analysis. Since supporting evidence is limited at this time, the clinical significance of this alteration remains unclear.

NM_199420.4(POLQ):c.962G>A (p.Gly321Glu)

Gene: POLQ (DNA polymerase theta; minus strand). Cytogenetic location: 3q13.33.
Variant type: single nucleotide variant.
Coding change: c.962G>A on transcript NM_199420.4 (MANE Select); coding-DNA position 962, G replaced by A.
Protein change: p.Gly321Glu; replaces glycine 321 with glutamic acid.
Molecular consequence: missense variant.
Genome position (GRCh38, 1-based): chr3:121,529,791, C>T on the plus strand (G>A on the coding strand, the complement: POLQ is on the minus strand). VCF-style: chr3-121529791-C-T. GRCh37 (hg19) VCF-style: chr3-121248638-C-T.
Other names: short protein forms G321E.
Identifiers: ClinVar variation 2563755 (VCV002563755.2), dbSNP rs1200045744, ClinGen allele CA354124934.